The following is an entry in ClinVar:

ClinVar aggregate classification (germline): Benign/Likely benign. Review status: criteria provided, multiple submitters, no conflicts (2 of 4 stars). 4 submissions from 4 submitters: Benign (2); Likely benign (2). Last evaluated 2024-08-21.

Allele frequency attached by ClinVar (database versions not stated): gnomAD exomes 0.00026 and 0.00050; ExAC 0.00055; 1000 Genomes Project 0.00100; gnomAD 0.00111 and 0.00123; ESP Exome Variant Server 0.00131; 1000 Genomes Project 30x 0.00141; TOPMed 0.00148.
gnomAD v4.1: 555 of 1,613,226 alleles (0.034%); highest among the groups gnomAD compares: African/African-American, 0.33%; no homozygotes.

Submissions (4):

Blueprint Genetics
Classification: Likely benign. Last evaluated: 2024-08-21. Review status: criteria provided, single submitter. Criteria: ACMG Guidelines, 2015. Collection method: clinical testing. Allele origin: germline.

CeGaT Center for Human Genetics Tuebingen
Classification: Likely benign. Last evaluated: 2023-03-01. Review status: criteria provided, single submitter. Criteria: CeGaT Center For Human Genetics Tuebingen Variant Classification Criteria Version 2. Collection method: clinical testing. Allele origin: germline. Affected: yes. Observed: 1 variant allele.
Comment: POLRMT: BP4, BP7

Labcorp Genetics (formerly Invitae), Labcorp
Classification: Benign. Last evaluated: 2018-04-10. Review status: criteria provided, single submitter. Criteria: Invitae Variant Classification Sherloc (09022015). Collection method: clinical testing. Allele origin: germline.

Breakthrough Genomics
Classification: Benign. Review status: criteria provided, single submitter. Criteria: ACMG Guidelines, 2015. Collection method: not provided. Allele origin: germline. Inheritance: Autosomal recessive inheritance. Affected: yes.

NM_005035.4(POLRMT):c.3360G>A (p.Pro1120=)

Gene: POLRMT (RNA polymerase mitochondrial; minus strand). Cytogenetic location: 19p13.3.
Variant type: single nucleotide variant.
Coding change: c.3360G>A on transcript NM_005035.4 (MANE Select); coding-DNA position 3360, G replaced by A.
Protein change: p.Pro1120=; no amino-acid change (proline 1120 retained).
Molecular consequence: synonymous variant.
Genome position (GRCh38, 1-based): chr19:618,550, C>T on the plus strand (G>A on the coding strand, the complement: POLRMT is on the minus strand). VCF-style: chr19-618550-C-T. GRCh37 (hg19) VCF-style: chr19-618550-C-T.
Identifiers: ClinVar variation 716497 (VCV000716497.29), dbSNP rs140360484, ClinGen allele CA9019278.
Genomic context (GRCh38, chr19:618,550, plus strand): 5'-GTAGCAGTGCAGGGCGGTGAGCATCATGTGGGAGGAGTCCAGCGAGTGGATGAAGTTGGG[C>T]GGGAAGCCGTTCTTCTGCTTACGTGTGTTGGGCTTTCTGAGGACGGAACAGGTGCCGGTG-3'
Protein context (NP_005026.3, residues 1110-1130): PNTRKQKNGF[Pro1120=]PNFIHSLDSS